The following is an entry in ClinVar:

ClinVar aggregate classification (germline): Conflicting classifications of pathogenicity. Review status: criteria provided, conflicting classifications (1 of 4 stars). 6 submissions from 6 submitters: Uncertain significance (5); Likely benign (1). Last evaluated 2026-02-02.

Conditions:
NF1-related disorder. Also called: NF1-related condition. Identifiers: MedGen CN379171.
Cardiovascular phenotype. Identifiers: MedGen CN230736.
Hereditary cancer-predisposing syndrome. Also called: Tumor predisposition; Hereditary neoplastic syndrome; Neoplastic Syndromes, Hereditary; Hereditary Cancer Syndrome. Identifiers: Orphanet 140162, MedGen C0027672, MeSH D009386, MONDO:0015356.
Neurofibromatosis, type 1 (NF1). Also called: Peripheral type neurofibromatosis; VON RECKLINGHAUSEN DISEASE; NEUROFIBROMATOSIS, TYPE I, SOMATIC; Neurofibromatosis, type I. Identifiers: Orphanet 636, MedGen C0027831, MONDO:0018975, OMIM 162200. Disease mechanism: loss of function.

Allele frequency attached by ClinVar (database versions not stated): gnomAD 0.00001; gnomAD exomes 0.00001 and 0.00002; ExAC 0.00002; TOPMed 0.00002; ESP Exome Variant Server 0.00008.
gnomAD v4.1: 17 of 1,614,032 alleles (0.0011%); highest among the groups gnomAD compares: South Asian, 0.0044%; no homozygotes.

Submissions (6):

Labcorp Genetics (formerly Invitae), Labcorp
Classification: Likely benign for Neurofibromatosis, type 1. Last evaluated: 2026-02-02. Review status: criteria provided, single submitter. Criteria: Invitae Variant Classification Sherloc (09022015). Collection method: clinical testing. Allele origin: germline.

PreventionGenetics, part of Exact Sciences
Classification: Uncertain significance for NF1-related condition. Last evaluated: 2025-03-26. Review status: criteria provided, single submitter. Criteria: ACMG Guidelines, 2015. Collection method: clinical testing. Allele origin: germline.
Comment: The NF1 c.5470A>G variant is predicted to result in the amino acid substitution p.Ile1824Val. This variant is also known as c.5407A>G (p.Ile1803Val) on the primary hereditary cancer transcript NM_000267.3. To our knowledge, this variant has not been reported in the literature. This variant is reported in 0.0033% of alleles in individuals of South Asian descent in gnomAD and has conflicting interpretations regarding its pathogenic in ClinVar, ranging from uncertain significance to likely benign. At this time, the clinical significance of this variant is uncertain due to the absence of conclusive functional and genetic evidence.

GeneDx
Classification: Uncertain significance. Last evaluated: 2025-03-12. Review status: criteria provided, single submitter. Criteria: GeneDx Variant Classification Process June 2021. Collection method: clinical testing. Allele origin: germline. Affected: yes.
Comment: In silico analysis indicates that this missense variant does not alter protein structure/function; This variant is associated with the following publications: (PMID: 27153395, 29684080)

Ambry Genetics
Classification: Uncertain significance for Cardiovascular phenotype; Hereditary cancer-predisposing syndrome. Last evaluated: 2024-09-19. Review status: criteria provided, single submitter. Criteria: Ambry Variant Classification Scheme 2023. Collection method: clinical testing. Allele origin: germline.
Comment: The p.I1803V variant (also known as c.5407A>G), located in coding exon 37 of the NF1 gene, results from an A to G substitution at nucleotide position 5407. The isoleucine at codon 1803 is replaced by valine, an amino acid with highly similar properties. This variant has been identified in at least one patient with a personal and family history of breast and/or ovarian cancer (Maxwell KN et al. Am J Hum Genet, 2016 May;98:801-817). In a study of whole-exome sequencing in patients with features of Cowden syndrome (CS) or Bannayan-Riley-Ruvalcaba syndrome (BRRS) and negative PTEN testing, this alteration was identified in 0/87 patients with CS or BRRS and 1/3476 patients from The Cancer Genome Atlas (TCGA) (Yehia L et al. PLoS Genet, 2018 04;14:e1007352). This amino acid position is highly conserved in available vertebrate species. In addition, the in silico prediction for this alteration is inconclusive. Since supporting evidence is limited at this time, the clinical significance of this alteration remains unclear.

Mendelics
Classification: Uncertain significance. Last evaluated: 2022-05-04. Review status: criteria provided, single submitter. Criteria: Mendelics Assertion Criteria 2019. Collection method: clinical testing. Allele origin: germline.

Genome-Nilou Lab
Classification: Uncertain significance for Neurofibromatosis, type 1. Last evaluated: 2022-03-15. Review status: criteria provided, single submitter. Criteria: ACMG Guidelines, 2015. Collection method: clinical testing. Allele origin: germline. Affected: no.

Literature cited by the submitters: PubMed 27153395 (cited by Ambry Genetics); PubMed 29684080 (cited by Ambry Genetics).

NM_001042492.3(NF1):c.5470A>G (p.Ile1824Val)

Gene: NF1 (neurofibromin 1; plus strand). Cytogenetic location: 17q11.2.
Variant type: single nucleotide variant.
Coding change: c.5470A>G on transcript NM_001042492.3 (MANE Select); coding-DNA position 5470, A replaced by G.
Protein change: p.Ile1824Val; replaces isoleucine 1824 with valine.
Molecular consequence: missense variant.
Genome position (GRCh38, 1-based): chr17:31,327,700, A>G. VCF-style: chr17-31327700-A-G. GRCh37 (hg19) VCF-style: chr17-29654718-A-G.
Other names: c.5407A>G, p.Ile1803Val (NM_000267.4); short protein forms I1803V, I1824V.
Identifiers: ClinVar variation 457753 (VCV000457753.20), dbSNP rs370858405, ClinGen allele CA8487182.